The following is an entry in ClinVar:

NM_000890.5(KCNJ5):c.895T>G (p.Phe299Val)

Gene: KCNJ5 (potassium inwardly rectifying channel subfamily J member 5; plus strand). Cytogenetic location: 11q24.3.
Variant type: single nucleotide variant.
Coding change: c.895T>G on transcript NM_000890.5 (MANE Select); coding-DNA position 895, T replaced by G.
Protein change: p.Phe299Val; replaces phenylalanine 299 with valine.
Molecular consequence: missense variant.
Genome position (GRCh38, 1-based): chr11:128,912,168, T>G. VCF-style: chr11-128912168-T-G. GRCh37 (hg19) VCF-style: chr11-128782063-T-G.
Other names: c.895T>G, p.Phe299Val (NM_001354169.2); short protein forms F299V.
Identifiers: ClinVar variation 4090508 (VCV004090508.1).

ClinVar aggregate classification (germline): Uncertain significance (1 of 4 stars; one submission).

Conditions:
Cardiovascular phenotype. Identifiers: MedGen CN230736.

gnomAD v4.1: 1 of 1,608,156 alleles (0.000062%); highest among the groups gnomAD compares: African/African-American, 0.0013%; no homozygotes.

Submission:

Ambry Genetics
Classification: Uncertain significance for Cardiovascular phenotype. Last evaluated: 2025-06-16. Review status: criteria provided, single submitter. Criteria: Ambry Variant Classification Scheme 2023. Collection method: clinical testing. Allele origin: germline.
Comment: The p.F299V variant (also known as c.895T>G), located in coding exon 1 of the KCNJ5 gene, results from a T to G substitution at nucleotide position 895. The phenylalanine at codon 299 is replaced by valine, an amino acid with highly similar properties. This amino acid position is highly conserved in available vertebrate species. In addition, this alteration is predicted to be deleterious by in silico analysis. Based on the available evidence, the clinical significance of this variant remains unclear.